The following is an entry in ClinVar:

NM_013275.6(ANKRD11):c.2446G>A (p.Glu816Lys)

Gene: ANKRD11 (ankyrin repeat domain 11; minus strand). Cytogenetic location: 16q24.3.
Variant type: single nucleotide variant.
Coding change: c.2446G>A on transcript NM_013275.6 (MANE Select); coding-DNA position 2446, G replaced by A.
Protein change: p.Glu816Lys; replaces glutamic acid 816 with lysine.
Molecular consequence: missense variant.
Genome position (GRCh38, 1-based): chr16:89,284,096, C>T on the plus strand (G>A on the coding strand, the complement: ANKRD11 is on the minus strand). VCF-style: chr16-89284096-C-T. GRCh37 (hg19) VCF-style: chr16-89350504-C-T.
Other names: c.2446G>A, p.Glu816Lys (NM_001256182.2, NM_001256183.2); c.2446G>A (NM_013275.4); short protein forms E816K.
Identifiers: ClinVar variation 2038025 (VCV002038025.5), dbSNP rs1183047246, ClinGen allele CA397162392.

ClinVar aggregate classification (germline): Uncertain significance. Review status: criteria provided, multiple submitters, no conflicts (2 of 4 stars). 2 submissions from 2 submitters: Uncertain significance (2). Last evaluated 2025-01-23.

Conditions:
Inborn genetic diseases. Identifiers: MedGen C0950123, MeSH D030342.
KBG syndrome (KBGS). Also called: ANKRD11-Related KBG Syndrome. Identifiers: Orphanet 2332, MedGen C0220687, MONDO:0007846, OMIM 148050.

Allele frequency attached by ClinVar (database versions not stated): gnomAD 0.00001; gnomAD exomes 0.00001; TOPMed 0.00002.
gnomAD v4.1: 7 of 1,613,768 alleles (0.00043%); highest among the groups gnomAD compares: Non-Finnish European, 0.00051%; no homozygotes.

Submissions (2):

Ambry Genetics
Classification: Uncertain significance for Inborn genetic diseases. Last evaluated: 2025-01-23. Review status: criteria provided, single submitter. Criteria: Ambry Variant Classification Scheme 2023. Collection method: clinical testing. Allele origin: germline.

Labcorp Genetics (formerly Invitae), Labcorp
Classification: Uncertain significance for KBG syndrome. Last evaluated: 2023-10-13. Review status: criteria provided, single submitter. Criteria: Invitae Variant Classification Sherloc (09022015). Collection method: clinical testing. Allele origin: germline.
Comment: This sequence change replaces glutamic acid, which is acidic and polar, with lysine, which is basic and polar, at codon 816 of the ANKRD11 protein (p.Glu816Lys). The frequency data for this variant in the population databases is considered unreliable, as metrics indicate poor data quality at this position in the gnomAD database. This variant has not been reported in the literature in individuals affected with ANKRD11-related conditions. ClinVar contains an entry for this variant (Variation ID: 2038025). Advanced modeling of protein sequence and biophysical properties (such as structural, functional, and spatial information, amino acid conservation, physicochemical variation, residue mobility, and thermodynamic stability) performed at Invitae indicates that this missense variant is not expected to disrupt ANKRD11 protein function. In summary, the available evidence is currently insufficient to determine the role of this variant in disease. Therefore, it has been classified as a Variant of Uncertain Significance.